The following is an entry in ClinVar:

ClinVar aggregate classification (germline): Uncertain significance (1 of 4 stars; one submission).

Submission:

Labcorp Genetics (formerly Invitae), Labcorp
Classification: Uncertain significance. Last evaluated: 2026-01-07. Review status: criteria provided, single submitter. Criteria: Invitae Variant Classification Sherloc (09022015). Collection method: clinical testing. Allele origin: germline.
Comment: This sequence change replaces leucine, which is neutral and non-polar, with proline, which is neutral and non-polar, at codon 634 of the DUOX2 protein (p.Leu634Pro). This variant is present in population databases (rs759006897, gnomAD 0.01%). This variant has not been reported in the literature in individuals affected with DUOX2-related conditions. Invitae Evidence Modeling of protein sequence and biophysical properties (such as structural, functional, and spatial information, amino acid conservation, physicochemical variation, residue mobility, and thermodynamic stability) indicates that this missense variant is not expected to disrupt DUOX2 protein function with a negative predictive value of 80%. In summary, the available evidence is currently insufficient to determine the role of this variant in disease. Therefore, it has been classified as a Variant of Uncertain Significance.

NM_001363711.2(DUOX2):c.1901T>C (p.Leu634Pro)

Gene: DUOX2 (dual oxidase 2; minus strand). Cytogenetic location: 15q21.1.
Variant type: single nucleotide variant.
Coding change: c.1901T>C on transcript NM_001363711.2 (MANE Select); coding-DNA position 1901, T replaced by C.
Protein change: p.Leu634Pro; replaces leucine 634 with proline.
Molecular consequence: missense variant.
Genome position (GRCh38, 1-based): chr15:45,106,572, A>G on the plus strand (T>C on the coding strand, the complement: DUOX2 is on the minus strand). VCF-style: chr15-45106572-A-G. GRCh37 (hg19) VCF-style: chr15-45398770-A-G.
Other names: c.1901T>C, p.Leu634Pro (NM_014080.5); short protein forms L634P.
Identifiers: ClinVar variation 4751945 (VCV004751945.1).
Genomic context (GRCh38, chr15:45,106,572, plus strand): 5'-CCCAGCCCCTGCTCACCTGGCACTCCATCTTTGGCTGCTTCCTTCTTCACGCTCTCTTTG[A>G]GTTTCTTTTGTAGCTTCTTGTGTTCTCGGCCCCGGAAATAGGCCACCACTCCAGAGAGAA-3'
Protein context (NP_001350640.1, residues 624-644): GREHKKLQKK[Leu634Pro]KESVKKEAAK